The following is an entry in ClinVar:

NM_001206927.2(DNAH8):c.8500C>T (p.Pro2834Ser)

Gene: DNAH8 (dynein axonemal heavy chain 8; plus strand). Cytogenetic location: 6p21.2.
Variant type: single nucleotide variant.
Coding change: c.8500C>T on transcript NM_001206927.2 (MANE Select); coding-DNA position 8500, C replaced by T.
Protein change: p.Pro2834Ser; replaces proline 2834 with serine.
Molecular consequence: missense variant.
Genome position (GRCh38, 1-based): chr6:38,890,678, C>T. VCF-style: chr6-38890678-C-T. GRCh37 (hg19) VCF-style: chr6-38858454-C-T.
Other names: c.7849C>T, p.Pro2617Ser (NM_001371.4); short protein forms P2617S, P2834S.
Identifiers: ClinVar variation 1419929 (VCV001419929.8), dbSNP rs760626246, ClinGen allele CA3790211.

ClinVar aggregate classification (germline): Uncertain significance (1 of 4 stars; one submission).

Conditions:
Primary ciliary dyskinesia. Also called: Ciliary dyskinesia. Identifiers: Orphanet 244, MedGen C0008780, MONDO:0016575, HP:0012265.

Allele frequency attached by ClinVar (database versions not stated): gnomAD exomes below 0.00001; ExAC 0.00001.
gnomAD v4.1: 1 of 1,612,958 alleles (0.000062%); highest among the groups gnomAD compares: Non-Finnish European, 0.000085%; no homozygotes.

Submission:

Labcorp Genetics (formerly Invitae), Labcorp
Classification: Uncertain significance for Primary ciliary dyskinesia. Last evaluated: 2021-06-23. Review status: criteria provided, single submitter. Criteria: Invitae Variant Classification Sherloc (09022015). Collection method: clinical testing. Allele origin: germline.
Comment: In summary, the available evidence is currently insufficient to determine the role of this variant in disease. Therefore, it has been classified as a Variant of Uncertain Significance. Algorithms developed to predict the effect of missense changes on protein structure and function output the following: SIFT: "Tolerated"; PolyPhen-2: "Not Available"; Align-GVGD: "Class C0". The serine amino acid residue is found in multiple mammalian species, suggesting that this missense change does not adversely affect protein function. These predictions have not been confirmed by published functional studies and their clinical significance is uncertain. This variant has not been reported in the literature in individuals with DNAH8-related conditions. This variant is present in population databases (rs760626246, ExAC 0.001%). This sequence change replaces proline with serine at codon 2834 of the DNAH8 protein (p.Pro2834Ser). The proline residue is moderately conserved and there is a moderate physicochemical difference between proline and serine.